The following is an entry in ClinVar:

ClinVar aggregate classification (germline): Likely benign (1 of 4 stars; one submission).

Allele frequency attached by ClinVar (database versions not stated): gnomAD 0.00001; 1000 Genomes Project 30x 0.00016; 1000 Genomes Project 0.00020.
gnomAD v4.1: 15 of 1,598,528 alleles (0.00094%); highest among the groups gnomAD compares: South Asian, 0.0099%; no homozygotes.

Submission:

CeGaT Center for Human Genetics Tuebingen
Classification: Likely benign. Last evaluated: 2023-02-01. Review status: criteria provided, single submitter. Criteria: CeGaT Center For Human Genetics Tuebingen Variant Classification Criteria Version 2. Collection method: clinical testing. Allele origin: germline. Affected: yes. Observed: 1 variant allele.
Comment: HK3: BP4, BP7

NM_002115.3(HK3):c.1671A>T (p.Thr557=)

Gene: HK3 (hexokinase 3; minus strand). Cytogenetic location: 5q35.2.
Variant type: single nucleotide variant.
Coding change: c.1671A>T on transcript NM_002115.3 (MANE Select); coding-DNA position 1671, A replaced by T.
Protein change: p.Thr557=; no amino-acid change (threonine 557 retained).
Molecular consequence: synonymous variant.
Genome position (GRCh38, 1-based): chr5:176,887,267, T>A on the plus strand (A>T on the coding strand, the complement: HK3 is on the minus strand). VCF-style: chr5-176887267-T-A. GRCh37 (hg19) VCF-style: chr5-176314268-T-A.
Identifiers: ClinVar variation 2656096 (VCV002656096.24), dbSNP rs200480878, ClinGen allele CA3574264.